The following is an entry in ClinVar:

ClinVar aggregate classification (germline): Uncertain significance (1 of 4 stars; one submission).

Conditions:
ALMS1-related disorder. Also called: ALMS1-related condition.

Submission:

PreventionGenetics, part of Exact Sciences
Classification: Uncertain significance for ALMS1-related condition. Last evaluated: 2025-09-23. Review status: criteria provided, single submitter. Criteria: ACMG Guidelines, 2015. Collection method: clinical testing. Allele origin: germline.
Comment: The ALMS1 c.2842A>G variant is predicted to result in the amino acid substitution p.Thr948Ala. To our knowledge, this variant has not been reported in the literature or in a large population database (gnomAD), indicating this variant is rare. At this time, the clinical significance of this variant is uncertain due to the absence of conclusive functional and genetic evidence.

NM_001378454.1(ALMS1):c.2839A>G (p.Thr947Ala)

Gene: ALMS1 (ALMS1 centrosome and basal body associated protein; plus strand). Cytogenetic location: 2p13.1.
Variant type: single nucleotide variant.
Coding change: c.2839A>G on transcript NM_001378454.1 (MANE Select); coding-DNA position 2839, A replaced by G.
Protein change: p.Thr947Ala; replaces threonine 947 with alanine.
Molecular consequence: missense variant.
Genome position (GRCh38, 1-based): chr2:73,449,366, A>G. VCF-style: chr2-73449366-A-G. GRCh37 (hg19) VCF-style: chr2-73676493-A-G.
Other names: c.2842A>G, p.Thr948Ala (NM_015120.4); short protein forms T948A, T947A.
Identifiers: ClinVar variation 4983214 (VCV004983214.1).
Genomic context (GRCh38, chr2:73,449,366, plus strand): 5'-TTCCCTGAAGAAGCTCTGAAGGTTTCAGCTGTTTCTGTATTGGCTGCCCAGAAGACTGGG[A>G]CACCAACAGTGTCCTCTAATTCTCACTCACATAGCGAGAAATCTAGTGTTTTCTACCAGC-3'
Protein context (NP_001365383.1, residues 937-957): VSVLAAQKTG[Thr947Ala]PTVSSNSHSH